The following is an entry in ClinVar:

NM_000362.5(TIMP3):c.484G>A (p.Glu162Lys)

Genes: SYN3 (synapsin III; minus strand), TIMP3 (TIMP metallopeptidase inhibitor 3; plus strand). Cytogenetic location: 22q12.3.
Variant type: single nucleotide variant.
Coding change: c.484G>A on transcript NM_000362.5 (MANE Select); coding-DNA position 484, G replaced by A.
Protein change: p.Glu162Lys; replaces glutamic acid 162 with lysine.
Molecular consequence: missense variant. On other transcripts: intron variant (7).
Genome position (GRCh38, 1-based): chr22:32,859,225, G>A. VCF-style: chr22-32859225-G-A. GRCh37 (hg19) VCF-style: chr22-33255212-G-A.
Other names: c.708+5690C>T (NM_001369909.1, NM_001135774.2, NM_001369910.1); c.711+5690C>T (NM_001369907.1, NM_003490.4, NM_001369908.1 and 1 more transcripts); short protein forms E162K.
Identifiers: ClinVar variation 1511267 (VCV001511267.8), dbSNP rs137853302, ClinGen allele CA411540222.

ClinVar aggregate classification (germline): Conflicting classifications of pathogenicity. Review status: criteria provided, conflicting classifications (1 of 4 stars). 3 submissions from 3 submitters: Pathogenic (1); Likely pathogenic (1); Uncertain significance (1). Last evaluated 2022-01-01.

Conditions:
TIMP3-related disorder. Also called: TIMP3-related condition.
Retinal dystrophy. Also called: Inherited retinal dystrophy. Identifiers: Orphanet 71862, MedGen C0854723, MeSH D058499, MONDO:0019118, HP:0000556.

gnomAD v4.1: 1 of 1,614,152 alleles (0.000062%); highest among the groups gnomAD compares: Admixed American, 0.0017%; no homozygotes.

Submissions (3):

Institute of Human Genetics, Univ. Regensburg, Univ. Regensburg
Classification: Pathogenic for Retinal dystrophy. Last evaluated: 2022-01-01. Review status: criteria provided, single submitter. Criteria: ACMG Guidelines, 2015. Collection method: clinical testing. Allele origin: germline. Affected: yes.

Blueprint Genetics
Classification: Likely pathogenic for TIMP3-related disorders. Last evaluated: 2021-11-01. Review status: criteria provided, single submitter. Criteria: ACMG Guidelines, 2015. Collection method: clinical testing. Allele origin: germline. Affected: yes. Observed: 4 variant alleles.

Labcorp Genetics (formerly Invitae), Labcorp
Classification: Uncertain significance. Last evaluated: 2021-10-20. Review status: criteria provided, single submitter. Criteria: Invitae Variant Classification Sherloc (09022015). Collection method: clinical testing. Allele origin: germline.
Comment: This sequence change replaces glutamic acid with lysine at codon 162 of the TIMP3 protein (p.Glu162Lys). The glutamic acid residue is moderately conserved and there is a small physicochemical difference between glutamic acid and lysine. This variant is not present in population databases (ExAC no frequency). This missense change has been observed in individual(s) with Sorsby fundus dystrophy (PMID: 19536307). It has also been observed to segregate with disease in related individuals. This variant is also known as c.415G>A (p.E139K). Algorithms developed to predict the effect of missense changes on protein structure and function are either unavailable or do not agree on the potential impact of this missense change (SIFT: "Tolerated"; PolyPhen-2: "Probably Damaging"; Align-GVGD: "Class C0"). Experimental studies are conflicting or provide insufficient evidence to determine the effect of this variant on TIMP3 function (PMID: 19536307). In summary, the available evidence is currently insufficient to determine the role of this variant in disease. Therefore, it has been classified as a Variant of Uncertain Significance.

Literature cited by the submitters: PubMed 19536307 (cited by Institute of Human Genetics, Univ. Regensburg, Univ. Regensburg and Labcorp Genetics (formerly Invitae), Labcorp).